The following is an entry in ClinVar:

NC_000007.13:g.(?_100852114)_(100860555_?)dup

Gene: PLOD3 (procollagen-lysine,2-oxoglutarate 5-dioxygenase 3; minus strand). Cytogenetic location: 7q22.1.
Variant type: Duplication.
Identifiers: ClinVar variation 2423679 (VCV002423679.4).

ClinVar aggregate classification (germline): Uncertain significance (1 of 4 stars; one submission).

Submission:

Labcorp Genetics (formerly Invitae), Labcorp
Classification: Uncertain significance. Last evaluated: 2022-05-03. Review status: criteria provided, single submitter. Criteria: Invitae Variant Classification Sherloc (09022015). Collection method: clinical testing. Allele origin: germline.
Comment: This variant is a gross deletion of the genomic region encompassing exon(s) 1-16 of the PLOD3 gene, which includes the initiator codon. This deletion extends beyond the assayed region for this gene and therefore may encompass additional genes. It is expected to result in an absent or disrupted protein product. However, the current clinical and genetic evidence is not sufficient to establish whether loss-of-function variants in PLOD3 cause disease. This variant has not been reported in the literature in individuals affected with PLOD3-related conditions. In summary, the available evidence is currently insufficient to determine the role of this variant in disease. Therefore, it has been classified as a Variant of Uncertain Significance.